The following is an entry in ClinVar:

ClinVar aggregate classification (germline): Uncertain significance. Review status: criteria provided, multiple submitters, no conflicts (2 of 4 stars). 2 submissions from 2 submitters: Uncertain significance (2). Last evaluated 2026-08-20.

Conditions:
Retinoblastoma (RB1). Also called: RETINOBLASTOMA, SOMATIC. Identifiers: Orphanet 790, MedGen C0035335, MeSH D012175, MONDO:0008380, OMIM 180200, HP:0009919. Disease mechanism: loss of function. Inheritance: Both sporadic and heritable forms are tested..
Hereditary cancer-predisposing syndrome. Also called: Neoplastic Syndromes, Hereditary; Tumor predisposition; Hereditary Cancer Syndrome; Hereditary neoplastic syndrome. Identifiers: Orphanet 140162, MedGen C0027672, MeSH D009386, MONDO:0015356.

Allele frequency attached by ClinVar (database versions not stated): TOPMed below 0.00001; gnomAD exomes below 0.00001.
gnomAD v4.1: 1 of 1,613,950 alleles (0.000062%); highest among the groups gnomAD compares: East Asian, 0.0022%; no homozygotes.

Submissions (2):

Ambry Genetics
Classification: Uncertain significance for Hereditary cancer-predisposing syndrome. Last evaluated: 2026-08-20. Review status: criteria provided, single submitter. Criteria: Ambry Variant Classification Scheme 2023. Collection method: clinical testing. Allele origin: germline.
Comment: The p.R259G variant (also known as c.775A>G), located in coding exon 8 of the RB1 gene, results from an A to G substitution at nucleotide position 775. The arginine at codon 259 is replaced by glycine, an amino acid with dissimilar properties. This amino acid position is highly conserved in available vertebrate species. In addition, this alteration is predicted to be deleterious by in silico analysis. Based on the available evidence, the clinical significance of this variant remains unclear.

Labcorp Genetics (formerly Invitae), Labcorp
Classification: Uncertain significance for Retinoblastoma. Last evaluated: 2024-11-05. Review status: criteria provided, single submitter. Criteria: Invitae Variant Classification Sherloc (09022015). Collection method: clinical testing. Allele origin: germline.
Comment: This sequence change replaces arginine, which is basic and polar, with glycine, which is neutral and non-polar, at codon 259 of the RB1 protein (p.Arg259Gly). This variant is present in population databases (no rsID available, gnomAD 0.006%). This variant has not been reported in the literature in individuals affected with RB1-related conditions. ClinVar contains an entry for this variant (Variation ID: 3231248). Invitae Evidence Modeling of protein sequence and biophysical properties (such as structural, functional, and spatial information, amino acid conservation, physicochemical variation, residue mobility, and thermodynamic stability) has been performed for this missense variant. However, the output from this modeling did not meet the statistical confidence thresholds required to predict the impact of this variant on RB1 protein function. In summary, the available evidence is currently insufficient to determine the role of this variant in disease. Therefore, it has been classified as a Variant of Uncertain Significance.

NM_000321.3(RB1):c.775A>G (p.Arg259Gly)

Gene: RB1 (RB transcriptional corepressor 1; plus strand). Cytogenetic location: 13q14.2.
Variant type: single nucleotide variant.
Coding change: c.775A>G on transcript NM_000321.3 (MANE Select); coding-DNA position 775, A replaced by G.
Protein change: p.Arg259Gly; replaces arginine 259 with glycine.
Molecular consequence: missense variant.
Genome position (GRCh38, 1-based): chr13:48,362,871, A>G. VCF-style: chr13-48362871-A-G. GRCh37 (hg19) VCF-style: chr13-48937007-A-G.
Other names: c.775A>G, p.Arg259Gly (NM_001407165.1, NM_001407166.1); short protein forms R259G.
Identifiers: ClinVar variation 3231248 (VCV003231248.4), dbSNP rs1299654789, ClinGen allele CA388159395.